The following is an entry in ClinVar:

ClinVar aggregate classification (germline): Uncertain significance (1 of 4 stars; one submission).

Submission:

Dasa
Classification: Uncertain significance. Last evaluated: 2025-06-30. Review status: criteria provided, single submitter. Criteria: DASA Assertion Criteria. Collection method: clinical testing. Allele origin: germline.
Comment: NM_057176.3(BSND):c.792del (p.Asn265Thrfs*65) is a frameshift variant in BSND predicted to alter the reading frame and introduce a premature termination codon. This variant is absent from population databases. The currently available literature and clinical evidence are not sufficient to establish a definitive association between this variant and the reported condition. Therefore, this variant is classified as a variant of uncertain significance.

NM_057176.3(BSND):c.792del (p.Asn265fs)

Gene: BSND (barttin CLCNK type accessory subunit beta; plus strand). Cytogenetic location: 1p32.3.
Variant type: Deletion.
Coding change: c.792del on transcript NM_057176.3 (MANE Select); coding-DNA position 792, one base deleted (C; older notation c.792delC).
Protein change: p.Asn265fs; shifts the reading frame from asparagine 265.
Molecular consequence: frameshift variant.
Genome position (GRCh38, 1-based): chr1:55,008,457, C deleted; the last of 3 consecutive C bases (chr1:55,008,455-55,008,457); deleting any one gives the same sequence. VCF-style (leftmost placement, unchanged base first): chr1-55008454-GC-G. GRCh37 (hg19) VCF-style: chr1-55474127-GC-G.
Other names: short protein forms N265fs.
Identifiers: ClinVar variation 4886266 (VCV004886266.2).